The following is an entry in ClinVar:

ClinVar aggregate classification (germline): Uncertain significance. Review status: criteria provided, multiple submitters, no conflicts (2 of 4 stars). 3 submissions from 3 submitters: Uncertain significance (3). Last evaluated 2024-12-23.

Conditions:
Osteogenesis imperfecta type I (OI1). Also called: Classic Non-deforming Osteogenesis Imperfecta with Blue Sclerae; Osteogenesis imperfecta type 1; OI, TYPE I; OSTEOGENESIS IMPERFECTA TARDA; OSTEOGENESIS IMPERFECTA WITH BLUE SCLERAE; Lobstein's Disease. Identifiers: Orphanet 216796, Orphanet 666, MedGen C0023931, MONDO:0008146, OMIM 166200. Disease mechanism: loss of function.

Allele frequency attached by ClinVar (database versions not stated): ExAC 0.00001; gnomAD exomes 0.00001.

Submissions (3):

Labcorp Genetics (formerly Invitae), Labcorp
Classification: Uncertain significance for Osteogenesis imperfecta type I. Last evaluated: 2024-12-23. Review status: criteria provided, single submitter. Criteria: Invitae Variant Classification Sherloc (09022015). Collection method: clinical testing. Allele origin: germline.
Comment: This sequence change replaces arginine, which is basic and polar, with histidine, which is basic and polar, at codon 1066 of the COL1A1 protein (p.Arg1066His). This variant is present in population databases (rs752075205, gnomAD 0.0009%). This variant has not been reported in the literature in individuals affected with COL1A1-related conditions. ClinVar contains an entry for this variant (Variation ID: 1312639). Invitae Evidence Modeling of protein sequence and biophysical properties (such as structural, functional, and spatial information, amino acid conservation, physicochemical variation, residue mobility, and thermodynamic stability) indicates that this missense variant is expected to disrupt COL1A1 protein function with a positive predictive value of 95%. Algorithms developed to predict the effect of sequence changes on RNA splicing suggest that this variant may create or strengthen a splice site. In summary, the available evidence is currently insufficient to determine the role of this variant in disease. Therefore, it has been classified as a Variant of Uncertain Significance.

Clinical Genetics Laboratory, Skane University Hospital Lund
Classification: Uncertain significance. Last evaluated: 2022-05-27. Review status: criteria provided, single submitter. Criteria: ACMG Guidelines, 2015. Collection method: clinical testing. Allele origin: germline. Affected: yes.

GeneDx
Classification: Uncertain significance. Last evaluated: 2021-09-09. Review status: criteria provided, single submitter. Criteria: GeneDx Variant Classification Process June 2021. Collection method: clinical testing. Allele origin: germline. Affected: yes.
Comment: Reported in a patient with a congenital heart disease referred for whole exome sequencing (Alankarage et al., 2019); Not observed at a significant frequency in large population cohorts (Lek et al., 2016); At the protein level, in silico analysis supports that this missense variant has a deleterious effect on protein structure/function; At the mRNA level, in silico analysis, which includes splice predictors and evolutionary conservation, suggests this variant may impact gene splicing. In the absence of RNA/functional studies, the actual effect of this sequence change is unknown.; Occurs in the triple helical domain at the Y position in the canonical Gly-X-Y repeat; although this variant may have an effect on normal protein folding and function, missense substitution at the Y position is not a common mechanism of disease (Stenson et al., 2014); This variant is associated with the following publications: (PMID: 30293987)

NM_000088.4(COL1A1):c.3197G>A (p.Arg1066His)

Gene: COL1A1 (collagen type I alpha 1 chain; minus strand). Cytogenetic location: 17q21.33.
Variant type: single nucleotide variant.
Coding change: c.3197G>A on transcript NM_000088.4 (MANE Select); coding-DNA position 3197, G replaced by A.
Protein change: p.Arg1066His; replaces arginine 1066 with histidine.
Molecular consequence: missense variant.
Genome position (GRCh38, 1-based): chr17:50,188,540, C>T on the plus strand (G>A on the coding strand, the complement: COL1A1 is on the minus strand). VCF-style: chr17-50188540-C-T. GRCh37 (hg19) VCF-style: chr17-48265901-C-T.
Other names: short protein forms R1066H.
Identifiers: ClinVar variation 1312639 (VCV001312639.6), dbSNP rs752075205, ClinGen allele CA8644545.